The following is an entry in ClinVar:

NM_174889.5(NDUFAF2):c.192_193del (p.Asp66fs)

Gene: NDUFAF2 (NADH:ubiquinone oxidoreductase complex assembly factor 2; plus strand). Cytogenetic location: 5q12.1.
Variant type: Deletion.
Coding change: c.192_193del on transcript NM_174889.5 (MANE Select); coding-DNA positions 192 to 193, 2 bases deleted (AG; older notation c.192_193delAG).
Protein change: p.Asp66fs; shifts the reading frame from aspartic acid 66.
Molecular consequence: frameshift variant.
Genome position (GRCh38, 1-based): chr5:61,073,189-61,073,190, AG deleted. VCF-style (leftmost placement, unchanged base first): chr5-61073188-CAG-C. GRCh37 (hg19) VCF-style: chr5-60369015-CAG-C.
Other names: short protein forms D66fs.
Identifiers: ClinVar variation 2759897 (VCV002759897.3), dbSNP rs2532030738, ClinGen allele CA2697547187.

ClinVar aggregate classification (germline): Pathogenic (1 of 4 stars; one submission).

Submission:

Labcorp Genetics (formerly Invitae), Labcorp
Classification: Pathogenic. Last evaluated: 2023-09-10. Review status: criteria provided, single submitter. Criteria: Invitae Variant Classification Sherloc (09022015). Collection method: clinical testing. Allele origin: germline.
Comment: This sequence change creates a premature translational stop signal (p.Asp66Tyrfs*10) in the NDUFAF2 gene. While this is not anticipated to result in nonsense mediated decay, it is expected to disrupt the last 104 amino acid(s) of the NDUFAF2 protein. This variant is not present in population databases (gnomAD no frequency). This variant has not been reported in the literature in individuals affected with NDUFAF2-related conditions. This variant disrupts a region of the NDUFAF2 protein in which other variant(s) (p.Trp74*) have been determined to be pathogenic (PMID: 20818383, 34234304). This suggests that this is a clinically significant region of the protein, and that variants that disrupt it are likely to be disease-causing. For these reasons, this variant has been classified as Pathogenic.

Literature cited by the submitters: PubMed 20818383; PubMed 34234304.